The following is an entry in ClinVar:

NM_000321.3(RB1):c.2309A>T (p.Gln770Leu)

Gene: RB1 (RB transcriptional corepressor 1; plus strand). Cytogenetic location: 13q14.2.
Variant type: single nucleotide variant.
Coding change: c.2309A>T on transcript NM_000321.3 (MANE Select); coding-DNA position 2309, A replaced by T.
Protein change: p.Gln770Leu; replaces glutamine 770 with leucine.
Molecular consequence: missense variant.
Genome position (GRCh38, 1-based): chr13:48,465,095, A>T. VCF-style: chr13-48465095-A-T. GRCh37 (hg19) VCF-style: chr13-49039231-A-T.
Other names: c.2309A>T, p.Gln770Leu (NM_001407165.1); short protein forms Q770L.
Identifiers: ClinVar variation 5027925 (VCV005027925.1).
Genomic context (GRCh38, chr13:48,465,095, plus strand): 5'-ATTCTATTATAGTATTCTATAACTCGGTCTTCATGCAGAGACTGAAAACAAATATTTTGC[A>T]GTATGCTTCCACCAGGGTAGGTCAAAAGTATCCTTTGATTGGAAAAATCTAATGTAATGG-3'
Protein context (NP_000312.2, residues 760-780): FMQRLKTNIL[Gln770Leu]YASTRPPTLS

ClinVar aggregate classification (germline): Uncertain significance (1 of 4 stars; one submission).

Conditions:
Hereditary cancer-predisposing syndrome. Also called: Neoplastic Syndromes, Hereditary; Tumor predisposition; Hereditary neoplastic syndrome; Hereditary Cancer Syndrome. Identifiers: Orphanet 140162, MedGen C0027672, MeSH D009386, MONDO:0015356.

Submission:

Ambry Genetics
Classification: Uncertain significance for Hereditary cancer-predisposing syndrome. Last evaluated: 2026-07-02. Review status: criteria provided, single submitter. Criteria: Ambry Variant Classification Scheme 2023. Collection method: clinical testing. Allele origin: germline.
Comment: The p.Q770L variant (also known as c.2309A>T), located in coding exon 22 of the RB1 gene, results from an A to T substitution at nucleotide position 2309. The glutamine at codon 770 is replaced by leucine, an amino acid with dissimilar properties. This amino acid position is conserved. In addition, this alteration is predicted to be deleterious by in silico analysis. Based on the available evidence, the clinical significance of this variant remains unclear.